The following is an entry in ClinVar:

ClinVar aggregate classification (germline): Likely pathogenic (1 of 4 stars; one submission).

Conditions:
LTBP4-related disorder. Also called: LTBP4-related condition.

Submission:

PreventionGenetics, part of Exact Sciences
Classification: Likely pathogenic for LTBP4-related condition. Last evaluated: 2025-04-17. Review status: criteria provided, single submitter. Criteria: ACMG Guidelines, 2015. Collection method: clinical testing. Allele origin: germline.
Comment: The LTBP4 c.221_230del10 variant is predicted to result in a frameshift and premature protein termination (p.Gln74Argfs*9). To our knowledge, this variant has not been reported in the literature or in a large population database (gnomAD), indicating this variant is rare. Frameshift variants in LTBP4 are expected to be pathogenic. This variant is interpreted as likely pathogenic.

NM_003573.2(LTBP4):c.221_230del (p.Gln74fs)

Gene: LTBP4 (latent transforming growth factor beta binding protein 4; plus strand). Cytogenetic location: 19q13.2.
Variant type: Deletion.
Coding change: c.221_230del on transcript NM_003573.2; coding-DNA positions 221 to 230, 10 bases deleted (AGCCACTGAC; older notation c.221_230delAGCCACTGAC).
Protein change: p.Gln74fs; shifts the reading frame from glutamine 74.
Molecular consequence: frameshift variant.
Genome position (GRCh38, 1-based): chr19:40,599,547-40,599,556, AGCCACTGAC deleted; deleting any 10 consecutive bases within chr19:40,599,546-40,599,556 gives the same sequence; the c. name uses the placement nearest the transcript's 3' end. VCF-style (leftmost placement, unchanged base first): chr19-40599545-GCAGCCACTGA-G. GRCh37 (hg19) VCF-style: chr19-41105451-GCAGCCACTGA-G.
Other names: c.221_230del10 (NM_003573.2); c.332_341del, p.Gln111fs (NM_001042544.1); short protein forms Q111fs, Q74fs.
Identifiers: ClinVar variation 5000457 (VCV005000457.1).